The following is an entry in ClinVar:

ClinVar aggregate classification (germline): Conflicting classifications of pathogenicity. Review status: criteria provided, conflicting classifications (1 of 4 stars). 5 submissions from 5 submitters: Uncertain significance (1); Likely benign (4). Last evaluated 2025-08-18.

Conditions:
SERPINB6-related disorder. Also called: SERPINB6-related condition.

Allele frequency attached by ClinVar (database versions not stated): gnomAD exomes 0.00007 and 0.00016; ExAC 0.00021; 1000 Genomes Project 0.00060; 1000 Genomes Project 30x 0.00062; gnomAD 0.00074 and 0.00081; TOPMed 0.00074; ESP Exome Variant Server 0.00108.
gnomAD v4.1: 231 of 1,614,200 alleles (0.014%); highest among the groups gnomAD compares: African/African-American, 0.26%; 1 homozygote.

Submissions (5):

Labcorp Genetics (formerly Invitae), Labcorp
Classification: Likely benign. Last evaluated: 2025-08-18. Review status: criteria provided, single submitter. Criteria: Invitae Variant Classification Sherloc (09022015). Collection method: clinical testing. Allele origin: germline.

PreventionGenetics, part of Exact Sciences
Classification: Likely benign for SERPINB6-related condition. Last evaluated: 2025-03-31. Review status: criteria provided, single submitter. Criteria: ACMG Guidelines, 2015. Collection method: clinical testing. Allele origin: germline.
Comment: This variant is classified as likely benign based on ACMG/AMP sequence variant interpretation guidelines (Richards et al. 2015 PMID: 25741868, with internal and published modifications).

GeneDx
Classification: Likely benign. Last evaluated: 2020-03-17. Review status: criteria provided, single submitter. Criteria: GeneDx Variant Classification Process June 2021. Collection method: clinical testing. Allele origin: germline. Affected: yes.

Eurofins Ntd Llc (ga)
Classification: Uncertain significance. Last evaluated: 2017-01-19. Review status: criteria provided, single submitter. Criteria: EGL Classification Definitions 2015. Collection method: clinical testing. Allele origin: germline. Observed: 1 variant allele, 1 heterozygote.

Laboratory for Molecular Medicine, Mass General Brigham Personalized Medicine
Classification: Likely benign. Last evaluated: 2015-05-21. Review status: criteria provided, single submitter. Criteria: LMM Criteria. Collection method: clinical testing. Allele origin: germline. Observed: 2 variant alleles.
Comment: p.Met34Val in exon 3 of SERPINB6: This variant is not expected to have clinical significance because it has been identified in 0.25% (26/10406) of African chrom osomes by the Exome Aggregation Consortium (ExAC ; dbSNP rs145538358). In addition, methionine (Met) at this position is poorly c onserved across many mammals and all evolutionarily distant species, and computa tional tools do not predict an impact to the protein.

NM_004568.6(SERPINB6):c.100A>G (p.Met34Val)

Gene: SERPINB6 (serpin family B member 6; minus strand). Cytogenetic location: 6p25.2.
Variant type: single nucleotide variant.
Coding change: c.100A>G on transcript NM_004568.6 (MANE Select); coding-DNA position 100, A replaced by G.
Protein change: p.Met34Val; replaces methionine 34 with valine.
Molecular consequence: missense variant. On other transcripts: non-coding transcript variant (1), intron variant (1).
Genome position (GRCh38, 1-based): chr6:2,959,233, T>C on the plus strand (A>G on the coding strand, the complement: SERPINB6 is on the minus strand). VCF-style: chr6-2959233-T-C. GRCh37 (hg19) VCF-style: chr6-2959467-T-C.
Other names: c.112A>G, p.Met38Val (NM_001195291.3, NM_001374515.1); c.142A>G, p.Met48Val (NM_001271822.2); c.157A>G, p.Met53Val (NM_001271823.2); c.100A>G, p.Met34Val (NM_001271824.2, NM_001271825.2, NM_001297699.2 and 2 more transcripts); c.34-3563A>G (NM_001374517.1); short protein forms M38V, M34V, M48V, M53V.
Identifiers: ClinVar variation 227935 (VCV000227935.20), dbSNP rs145538358, ClinGen allele CA3617657.
Genomic context (GRCh38, chr6:2,959,233, plus strand): 5'-CCATCTGTGCAGCGGTGTTTCCCTTTGCCCCCATGTAGACCATGGCCAGGGCACAGGACA[T>C]GCTCATGGGTGAGAAAAACACATTCTTCGAGTTGTCTTTACCCAGCGTTTTCAAAAGGTT-3'
Protein context (NP_004559.4, residues 24-44): SKNVFFSPMS[Met34Val]SCALAMVYMG